The following is an entry in ClinVar:

ClinVar aggregate classification (germline): Benign. Review status: criteria provided, multiple submitters, no conflicts (2 of 4 stars). 9 submissions from 9 submitters: Benign (7). 2 of the submissions do not count toward it. Last evaluated 2026-02-04.

Conditions:
Charcot-Marie-Tooth disease axonal type 2P. Also called: CHARCOT-MARIE-TOOTH NEUROPATHY, TYPE 2P; Charcot-Marie-Tooth Neuropathy Type 2G; CHARCOT-MARIE-TOOTH DISEASE, AXONAL, TYPE 2G; CMT 2G. Identifiers: Orphanet 300319, Orphanet 99941, MedGen C3280797, MONDO:0013753, OMIM 614436.
Charcot-Marie-Tooth disease. Also called: Charcot-Marie-Tooth Neuropathy; Charcot-Marie-Tooth Hereditary Neuropathy. Identifiers: Orphanet 166, MedGen C0007959, MONDO:0015626.

Allele frequency attached by ClinVar (database versions not stated): 1000 Genomes Project 30x 0.34931; 1000 Genomes Project 0.35204; TOPMed 0.40328; gnomAD exomes 0.41267 and 0.46118; ExAC 0.42325; gnomAD 0.43224 and 0.43695; ESP Exome Variant Server 0.44623.
gnomAD v4.1: 737,485 of 1,610,924 alleles (46%); highest among the groups gnomAD compares: Non-Finnish European, 49%; 175,002 homozygotes.

Submissions (9):

Labcorp Genetics (formerly Invitae), Labcorp
Classification: Benign for Charcot-Marie-Tooth disease axonal type 2P. Last evaluated: 2026-02-04. Review status: criteria provided, single submitter. Criteria: Invitae Variant Classification Sherloc (09022015). Collection method: clinical testing. Allele origin: germline.

Genome-Nilou Lab
Classification: Benign for Charcot-Marie-Tooth disease axonal type 2P. Last evaluated: 2021-09-05. Review status: criteria provided, single submitter. Criteria: ACMG Guidelines, 2015. Collection method: clinical testing. Allele origin: germline. Affected: no.

Illumina Laboratory Services, Illumina
Classification: Benign for Charcot-Marie-Tooth disease axonal type 2P. Last evaluated: 2018-01-13. Review status: criteria provided, single submitter. Criteria: ICSL Variant Classification Criteria 13 December 2019. Collection method: clinical testing. Allele origin: germline.
Comment: This variant was observed in the ICSL laboratory as part of a predisposition screen in an ostensibly healthy population. It had not been previously curated by ICSL or reported in the Human Gene Mutation Database (HGMD: prior to June 1st, 2018), and was therefore a candidate for classification through an automated scoring system. Utilizing variant allele frequency, disease prevalence and penetrance estimates, and inheritance mode, an automated score was calculated to assess if this variant is too frequent to cause the disease. Based on the score and internal cut-off values, a variant classified as benign is not then subjected to further curation. The score for this variant resulted in a classification of benign for this disease.

Mayo Clinic Laboratories, Mayo Clinic
Classification: Benign. Last evaluated: 2015-09-09. Review status: criteria provided, single submitter. Criteria: ACMG Guidelines, 2015. Collection method: clinical testing. Allele origin: germline. Observed: 1,519 variant alleles.

GeneDx
Classification: Benign. Last evaluated: 2015-03-03. Review status: criteria provided, single submitter. Criteria: GeneDx Variant Classification Process June 2021. Collection method: clinical testing. Allele origin: germline. Affected: yes.

Breakthrough Genomics
Classification: Benign. Review status: criteria provided, single submitter. Criteria: ACMG Guidelines, 2015. Collection method: not provided. Allele origin: germline. Inheritance: Autosomal dominant inheritance. Affected: yes.

Molecular Genetics Laboratory, London Health Sciences Centre
Classification: Benign for Charcot-Marie-Tooth disease. Review status: criteria provided, single submitter. Criteria: ACMG Guidelines, 2015. Collection method: clinical testing. Allele origin: germline. Affected: yes.

Clinical Genetics, Academic Medical Center
Classification: Benign. Review status: no assertion criteria provided. Collection method: clinical testing. Allele origin: germline. Affected: yes. Study: VKGL Data-share Consensus. Not counted in ClinVar's aggregate classification.

Diagnostic Laboratory, Department of Genetics, University Medical Center Groningen
Classification: Benign for Charcot-Marie-Tooth disease axonal type 2P. Review status: no assertion criteria provided. Collection method: clinical testing. Allele origin: germline. Affected: yes. Study: VKGL Data-share Consensus. Not counted in ClinVar's aggregate classification.

NM_001005373.4(LRSAM1):c.904-9C>T

Gene: LRSAM1 (leucine rich repeat and sterile alpha motif containing 1; plus strand). Cytogenetic location: 9q33.3.
Variant type: single nucleotide variant.
Coding change: c.904-9C>T on transcript NM_001005373.4 (MANE Select); 9 bases into the intron before coding-DNA position 904, C replaced by T.
Molecular consequence: intron variant.
Genome position (GRCh38, 1-based): chr9:127,479,830, C>T. VCF-style: chr9-127479830-C-T. GRCh37 (hg19) VCF-style: chr9-130242109-C-T.
Other names: p.?; c.904-9C>T (NM_138361.5, NM_001384142.1, NM_001384143.1 and 2 more transcripts); c.115-9C>T (NM_001384144.1).
Identifiers: ClinVar variation 365020 (VCV000365020.21), dbSNP rs1539568, ClinGen allele CA5246757.